The following is an entry in ClinVar:

ClinVar aggregate classification (germline): Uncertain significance (1 of 4 stars; one submission).

Allele frequency attached by ClinVar (database versions not stated): gnomAD exomes below 0.00001; TOPMed below 0.00001.
gnomAD v4.1: 3 of 1,614,088 alleles (0.00019%); highest among the groups gnomAD compares: Non-Finnish European, 0.00025%; no homozygotes.

Submission:

GeneDx
Classification: Uncertain significance. Last evaluated: 2019-08-14. Review status: criteria provided, single submitter. Criteria: GeneDx Variant Classification Process June 2021. Collection method: clinical testing. Allele origin: germline. Affected: yes.
Comment: Not observed in large population cohorts (Lek et al., 2016); In silico analysis, which includes protein predictors and evolutionary conservation, supports that this variant does not alter protein structure/function; Has not been previously reported as a pathogenic or benign germline variant to our knowledge; This variant is associated with the following publications: (PMID: 28561778)

NM_004456.5(EZH2):c.1084C>T (p.Arg362Trp)

Gene: EZH2 (enhancer of zeste 2 polycomb repressive complex 2 subunit; minus strand). Cytogenetic location: 7q36.1.
Variant type: single nucleotide variant.
Coding change: c.1084C>T on transcript NM_004456.5 (MANE Select); coding-DNA position 1084, C replaced by T.
Protein change: p.Arg362Trp; replaces arginine 362 with tryptophan.
Molecular consequence: missense variant.
Genome position (GRCh38, 1-based): chr7:148,818,033, G>A on the plus strand (C>T on the coding strand, the complement: EZH2 is on the minus strand). VCF-style: chr7-148818033-G-A. GRCh37 (hg19) VCF-style: chr7-148515125-G-A.
Other names: c.1069C>T, p.Arg357Trp (NM_001203247.2); c.1042C>T, p.Arg348Trp (NM_001203248.2, NM_001203249.2); c.952C>T, p.Arg318Trp (NM_152998.3); short protein forms R318W, R348W, R357W, R362W.
Identifiers: ClinVar variation 1307405 (VCV001307405.2), dbSNP rs1193491117, ClinGen allele CA369716742.